The following is an entry in ClinVar:

NM_006734.4(HIVEP2):c.5704G>A (p.Glu1902Lys)

Gene: HIVEP2 (HIVEP zinc finger 2; minus strand). Cytogenetic location: 6q24.2.
Variant type: single nucleotide variant.
Coding change: c.5704G>A on transcript NM_006734.4 (MANE Select); coding-DNA position 5704, G replaced by A.
Protein change: p.Glu1902Lys; replaces glutamic acid 1902 with lysine.
Molecular consequence: missense variant.
Genome position (GRCh38, 1-based): chr6:142,760,584, C>T on the plus strand (G>A on the coding strand, the complement: HIVEP2 is on the minus strand). VCF-style: chr6-142760584-C-T. GRCh37 (hg19) VCF-style: chr6-143081721-C-T.
Other names: short protein forms E1902K.
Identifiers: ClinVar variation 989241 (VCV000989241.4), dbSNP rs1775203734, ClinGen allele CA365888972.

ClinVar aggregate classification (germline): Uncertain significance (1 of 4 stars; one submission).

Conditions:
HIVEP2-related syndromic intellectual disability.

Submission:

Illumina Laboratory Services, Illumina
Classification: Uncertain significance for HIVEP2-related syndromic intellectual disability. Last evaluated: 2020-07-29. Review status: criteria provided, single submitter. Criteria: ICSLVariantClassificationCriteria RUGD 01 April 2020. Collection method: clinical testing. Allele origin: unknown.
Comment: The HIVEP2 c.5704G>A (p.Glu1902Lys) variant is a missense variant. A literature search was performed for the gene, cDNA change, and amino acid change. No publications were found based on this search. This variant is not found in the Genome Aggregation Database in a region of good sequence coverage, so the variant is presumed to be rare. The p.Glu1902Lys variant is found in a gene for which primarily truncating variants are known to cause disease. Based on the limited evidence, the p.Glu1902Lys variant is classified as a variant of uncertain significance for HIVEP2-related syndromic intellectual disability.